The following is an entry in ClinVar:

NM_001009944.3(PKD1):c.9051C>A (p.Tyr3017Ter)

Gene: PKD1 (polycystin 1, transient receptor potential channel interacting; minus strand). Cytogenetic location: 16p13.3.
Variant type: single nucleotide variant.
Coding change: c.9051C>A on transcript NM_001009944.3 (MANE Select); coding-DNA position 9051, C replaced by A.
Protein change: p.Tyr3017Ter; replaces tyrosine 3017 with a stop codon.
Molecular consequence: nonsense.
Genome position (GRCh38, 1-based): chr16:2,102,531, G>T on the plus strand (C>A on the coding strand, the complement: PKD1 is on the minus strand). VCF-style: chr16-2102531-G-T. GRCh37 (hg19) VCF-style: chr16-2152532-G-T.
Other names: c.9051C>A, p.Tyr3017Ter (NM_000296.4); short protein forms Y3017*.
Identifiers: ClinVar variation 1805890 (VCV001805890.1), dbSNP rs2544733475, ClinGen allele CA394360725.

ClinVar aggregate classification (germline): Pathogenic (1 of 4 stars; one submission).

Conditions:
Polycystic kidney disease, adult type (PKD1). Also called: Polycystic Kidney Disease 1, Autosomal Dominant; Polycystic kidney disease 1; Polycystic kidney disease 1, severe; Polycystic Kidney, Autosomal Dominant; POLYCYSTIC KIDNEY DISEASE 1 WITH OR WITHOUT POLYCYSTIC LIVER DISEASE; POLYCYSTIC KIDNEY DISEASE, ADULT, TYPE I. Identifiers: MedGen C3149841, MONDO:0008263, OMIM 173900.

Submission:

Victorian Clinical Genetics Services, Murdoch Childrens Research Institute
Classification: Pathogenic for Polycystic kidney disease, adult type. Last evaluated: 2025-12-18. Review status: criteria provided, single submitter. Criteria: ACMG Guidelines, 2015. Collection method: clinical testing. Allele origin: germline. Affected: yes.
Comment: This variant is classified as Pathogenic. Evidence in support of pathogenic classification: Variant is predicted to cause nonsense-mediated decay (NMD) and loss of protein (premature termination codon is located at least 54 nucleotides upstream of the final exon-exon junction); Variant is absent from gnomAD (v2, v3 and v4); This variant has limited previous evidence of pathogenicity in an unrelated individual(s). This variant has been reported in the literature in an individual with autosomal dominant polycystic kidney disease (PMID: 32457805, LOVD); Other NMD-predicted variant(s) comparable to the one identified in this case have very strong previous evidence for pathogenicity (DECIPHER). Additional information: This variant is heterozygous; This gene is associated with autosomal dominant disease. Polycystic kidney disease 1 (MIM#173900) is predominantly caused by monoallelic variants, with rare reports of biallelic variants causing disease (OMIM); Loss of function is a known mechanism of disease in this gene and is associated with polycystic kidney disease 1 (MIM#173900).

Literature cited by the submitters: PubMed 32457805.